The following is an entry in ClinVar:

NM_000051.4(ATM):c.926G>A (p.Arg309Lys)

Gene: ATM (ATM serine/threonine kinase; plus strand). Cytogenetic location: 11q22.3.
Variant type: single nucleotide variant.
Coding change: c.926G>A on transcript NM_000051.4 (MANE Select); coding-DNA position 926, G replaced by A.
Protein change: p.Arg309Lys; replaces arginine 309 with lysine.
Molecular consequence: missense variant.
Genome position (GRCh38, 1-based): chr11:108,246,988, G>A. VCF-style: chr11-108246988-G-A. GRCh37 (hg19) VCF-style: chr11-108117715-G-A.
Other names: c.926G>A, p.Arg309Lys (NM_001351834.2); short protein forms R309K.
Identifiers: ClinVar variation 2811084 (VCV002811084.3), dbSNP rs2079878883, ClinGen allele CA382530631.

ClinVar aggregate classification (germline): Uncertain significance (1 of 4 stars; one submission).

Conditions:
Ataxia-telangiectasia syndrome (AT). Also called: Ataxia-telangiectasia, complementation group E; ATAXIA-TELANGIECTASIA, COMPLEMENTATION GROUP A; ATAXIA-TELANGIECTASIA, FRESNO VARIANT; Ataxia-telangiectasia; LOUIS-BAR SYNDROME; Ataxia-telangiectasia, complementation group D. Identifiers: Orphanet 100, MedGen C0004135, MONDO:0008840, OMIM 208900.

Submission:

Labcorp Genetics (formerly Invitae), Labcorp
Classification: Uncertain significance for Ataxia-telangiectasia syndrome. Last evaluated: 2025-07-30. Review status: criteria provided, single submitter. Criteria: Invitae Variant Classification Sherloc (09022015). Collection method: clinical testing. Allele origin: germline.
Comment: This sequence change replaces arginine, which is basic and polar, with lysine, which is basic and polar, at codon 309 of the ATM protein (p.Arg309Lys). This variant is not present in population databases (gnomAD no frequency). This variant has not been reported in the literature in individuals affected with ATM-related conditions. ClinVar contains an entry for this variant (Variation ID: 2811084). Invitae Evidence Modeling of protein sequence and biophysical properties (such as structural, functional, and spatial information, amino acid conservation, physicochemical variation, residue mobility, and thermodynamic stability) indicates that this missense variant is not expected to disrupt ATM protein function with a negative predictive value of 95%. In summary, the available evidence is currently insufficient to determine the role of this variant in disease. Therefore, it has been classified as a Variant of Uncertain Significance.